The following is an entry in ClinVar:

NM_012123.4(MTO1):c.719C>T (p.Pro240Leu)

Gene: MTO1 (mitochondrial tRNA translation optimization 1; plus strand). Cytogenetic location: 6q13.
Variant type: single nucleotide variant.
Coding change: c.719C>T on transcript NM_012123.4 (MANE Select); coding-DNA position 719, C replaced by T.
Protein change: p.Pro240Leu; replaces proline 240 with leucine.
Molecular consequence: missense variant.
Genome position (GRCh38, 1-based): chr6:73,473,548, C>T. VCF-style: chr6-73473548-C-T. GRCh37 (hg19) VCF-style: chr6-74183271-C-T.
Other names: p.Pro240Leu; c.719C>T, p.Pro240Leu (NM_001123226.2, NM_133645.3); short protein forms P240L.
Identifiers: ClinVar variation 4541181 (VCV004541181.1).

ClinVar aggregate classification (germline): Uncertain significance (1 of 4 stars; one submission).

Submission:

Mayo Clinic Laboratories, Mayo Clinic
Classification: Uncertain significance. Last evaluated: 2025-12-18. Review status: criteria provided, single submitter. Criteria: ACMG Guidelines, 2015. Collection method: clinical testing. Allele origin: germline. Observed: 1 variant allele.
Comment: PP3_moderate, PM2_supporting